The following is an entry in ClinVar:

ClinVar aggregate classification (germline): Benign/Likely benign. Review status: criteria provided, multiple submitters, no conflicts (2 of 4 stars). 10 submissions from 9 submitters: Benign (4); Likely benign (4). 2 of the submissions do not count toward it. Last evaluated 2026-07-01.

Conditions:
Developmental and epileptic encephalopathy, 28 (DEE28). Also called: Epileptic encephalopathy, early infantile, 28. Identifiers: Orphanet 442835, MedGen C4015519, MONDO:0014533, OMIM 616211.
Developmental and epileptic encephalopathy, 1 (DEE1). Also called: X-linked infantile spasms; West's syndrome; Tonic spasms with clustering, arrest of psychomotor development and hypsarrhythmia on EEG; X-Linked Infantile Spasm Syndrome; OHTAHARA SYNDROME, X-LINKED; INFANTILE SPASM SYNDROME, X-LINKED 1. Identifiers: MedGen C3463992, MONDO:0010632, OMIM 308350. Disease mechanism: loss of function.
Autosomal recessive spinocerebellar ataxia 12. Also called: SPINOCEREBELLAR ATAXIA WITH MENTAL RETARDATION AND EPILEPSY. Identifiers: Orphanet 284282, MedGen C3280452, MONDO:0013687, OMIM 614322.

Allele frequency attached by ClinVar (database versions not stated): 1000 Genomes Project 30x 0.00062; 1000 Genomes Project 0.00080; ESP Exome Variant Server 0.00155; gnomAD 0.00193 and 0.00203; TOPMed 0.00240.
gnomAD v4.1: 1,225 of 1,614,202 alleles (0.076%); highest among the groups gnomAD compares: African/African-American, 0.39%; 3 homozygotes.

Submissions (10):

CeGaT Center for Human Genetics Tuebingen
Classification: Likely benign. Last evaluated: 2026-07-01. Review status: criteria provided, single submitter. Criteria: CeGaT Center For Human Genetics Tuebingen Variant Classification Criteria Version 2. Collection method: clinical testing. Allele origin: germline. Affected: yes. Observed: 4 variant alleles.
Comment: WWOX: BP4, BP7

Labcorp Genetics (formerly Invitae), Labcorp
Classification: Benign for Developmental and epileptic encephalopathy, 1; Autosomal recessive spinocerebellar ataxia 12. Last evaluated: 2026-02-03. Review status: criteria provided, single submitter. Criteria: Invitae Variant Classification Sherloc (09022015). Collection method: clinical testing. Allele origin: germline.

Blueprint Genetics
Classification: Likely benign. Last evaluated: 2024-11-17. Review status: criteria provided, single submitter. Criteria: ACMG Guidelines, 2015. Collection method: clinical testing. Allele origin: germline.

Genome-Nilou Lab
Classification: Benign for Developmental and epileptic encephalopathy, 28. Last evaluated: 2021-12-05. Review status: criteria provided, single submitter. Criteria: ACMG Guidelines, 2015. Collection method: clinical testing. Allele origin: germline. Affected: no.

Genome-Nilou Lab
Classification: Benign for Autosomal recessive spinocerebellar ataxia 12. Last evaluated: 2021-12-05. Review status: criteria provided, single submitter. Criteria: ACMG Guidelines, 2015. Collection method: clinical testing. Allele origin: germline. Affected: no.

GeneDx
Classification: Likely benign. Last evaluated: 2021-10-06. Review status: criteria provided, single submitter. Criteria: GeneDx Variant Classification Process June 2021. Collection method: clinical testing. Allele origin: germline. Affected: yes.

Athena Diagnostics
Classification: Benign. Last evaluated: 2018-06-18. Review status: criteria provided, single submitter. Criteria: Athena Diagnostics Criteria. Collection method: clinical testing. Allele origin: germline.

Breakthrough Genomics
Classification: Likely benign. Review status: criteria provided, single submitter. Criteria: ACMG Guidelines, 2015. Collection method: not provided. Allele origin: germline. Inheritance: Autosomal recessive inheritance. Affected: yes.

Clinical Genetics DNA and cytogenetics Diagnostics Lab, Erasmus MC, Erasmus Medical Center
Classification: Likely benign. Review status: no assertion criteria provided. Collection method: clinical testing. Allele origin: germline. Affected: yes. Study: VKGL Data-share Consensus. Not counted in ClinVar's aggregate classification.

Genome Diagnostics Laboratory, University Medical Center Utrecht
Classification: Likely benign. Review status: no assertion criteria provided. Collection method: clinical testing. Allele origin: germline. Affected: yes. Study: VKGL Data-share Consensus. Not counted in ClinVar's aggregate classification.

NM_016373.4(WWOX):c.1197G>A (p.Ala399=)

Genes: MAF (MAF bZIP transcription factor; minus strand), WWOX (WW domain containing oxidoreductase; plus strand). Cytogenetic location: 16q23.2.
Variant type: single nucleotide variant.
Coding change: c.1197G>A on transcript NM_016373.4 (MANE Select); coding-DNA position 1197, G replaced by A.
Protein change: p.Ala399=; no amino-acid change (alanine 399 retained).
Molecular consequence: synonymous variant.
Genome position (GRCh38, 1-based): chr16:79,211,748, G>A. VCF-style: chr16-79211748-G-A. GRCh37 (hg19) VCF-style: chr16-79245645-G-A.
Other names: c.858G>A, p.Ala286= (NM_001291997.2).
Identifiers: ClinVar variation 384616 (VCV000384616.42), dbSNP rs376935572, ClinGen allele CA8183787.
Genomic context (GRCh38, chr16:79,211,748, plus strand): 5'-CTGCCGCTGCATGCCCTCACCAGAAGCTCAGAGCGAAGAGACGGCCCGGACCCTGTGGGC[G>A]CTCAGCGAGAGGCTGATCCAAGAACGGCTTGGCAGCCAGTCCGGCTAAGTGGAGCTCAGA-3'
Protein context (NP_057457.1, residues 389-409): QSEETARTLW[Ala399=]LSERLIQERL